The following is an entry in ClinVar:

ClinVar aggregate classification (germline): Uncertain significance (1 of 4 stars; one submission).

Conditions:
Hereditary pheochromocytoma and paraganglioma. Also called: Hereditary Paraganglioma-Pheochromocytoma Syndromes; Hereditary paragangliomas and pheochromocytomas; Hereditary pheochromocytoma-paraganglioma. Identifiers: Orphanet 29072, MedGen C4274332, MONDO:0017366.

Submission:

Color Diagnostics, LLC DBA Color Health
Classification: Uncertain significance for Hereditary pheochromocytoma and paraganglioma. Last evaluated: 2025-06-09. Review status: criteria provided, single submitter. Criteria: ACMG Guidelines, 2015. Collection method: clinical testing. Allele origin: germline.
Comment: This variant is located in the SDHAF2 protein. To our knowledge, functional studies have not been reported for this variant. This variant has not been reported in individuals affected with SDHAF2-related disorders in the literature. This variant has not been identified in the general population by the Genome Aggregation Database (gnomAD). The available evidence is insufficient to determine the role of this variant in disease conclusively. Therefore, this variant is classified as a Variant of Uncertain Significance.

NM_017841.4(SDHAF2):c.246C>T (p.Asn82=)

Gene: SDHAF2 (succinate dehydrogenase complex assembly factor 2; plus strand). Cytogenetic location: 11q12.2.
Variant type: single nucleotide variant.
Coding change: c.246C>T on transcript NM_017841.4 (MANE Select); coding-DNA position 246, C replaced by T.
Protein change: p.Asn82=; no amino-acid change (asparagine 82 retained).
Molecular consequence: synonymous variant.
Genome position (GRCh38, 1-based): chr11:61,437,834, C>T. VCF-style: chr11-61437834-C-T. GRCh37 (hg19) VCF-style: chr11-61205306-C-T.
Identifiers: ClinVar variation 4756899 (VCV004756899.1).